The following is an entry in ClinVar:

NM_005391.5(PDK3):c.1087dup (p.Ser363fs)

Gene: PDK3 (pyruvate dehydrogenase kinase 3; plus strand). Cytogenetic location: Xp22.11.
Variant type: Duplication.
Coding change: c.1087dup on transcript NM_005391.5 (MANE Select); coding-DNA position 1087, one base duplicated (A; older notation c.1087dupA).
Protein change: p.Ser363fs; shifts the reading frame from serine 363.
Molecular consequence: frameshift variant.
Genome position (GRCh38, 1-based): chrX:24,533,938, A duplicated; the last of 2 consecutive A bases (chrX:24,533,937-24,533,938); duplicating either gives the same sequence. VCF-style (leftmost placement, unchanged base first): chrX-24533936-C-CA. GRCh37 (hg19) VCF-style: chrX-24552053-C-CA.
Other names: c.1087dup, p.Ser363fs (NM_001142386.3); c.1087dupA (NM_001142386.2); short protein forms S363fs.
Identifiers: ClinVar variation 577143 (VCV000577143.6), dbSNP rs1569228214, ClinGen allele CA891844253.

ClinVar aggregate classification (germline): Uncertain significance (1 of 4 stars; one submission).

Conditions:
Charcot-Marie-Tooth disease X-linked dominant 6. Also called: CHARCOT-MARIE-TOOTH NEUROPATHY, X-LINKED DOMINANT, 6. Identifiers: Orphanet 352675, MedGen C3806702, MONDO:0010479, OMIM 300905.

Submission:

Labcorp Genetics (formerly Invitae), Labcorp
Classification: Uncertain significance for Charcot-Marie-Tooth disease X-linked dominant 6. Last evaluated: 2018-06-28. Review status: criteria provided, single submitter. Criteria: Invitae Variant Classification Sherloc (09022015). Collection method: clinical testing. Allele origin: germline.
Comment: In summary, the available evidence is currently insufficient to determine the role of this variant in disease. Therefore, it has been classified as a Variant of Uncertain Significance. The current clinical and genetic evidence is not sufficient to establish whether loss-of-function variants in PDK3 cause disease. Algorithms developed to predict the effect of sequence changes on RNA splicing suggest that this variant may create or strengthen a splice site, but this prediction has not been confirmed by published transcriptional studies. This variant has not been reported in the literature in individuals with PDK3-related disease. This variant is not present in population databases (ExAC no frequency). This sequence change creates a premature translational stop signal (p.Ser363Lysfs*2) in the PDK3 gene. It is expected to result in an absent or disrupted protein product.